The following is an entry in ClinVar:

NM_019842.4(KCNQ5):c.1795G>A (p.Asp599Asn)

Gene: KCNQ5 (potassium voltage-gated channel subfamily Q member 5; plus strand). Cytogenetic location: 6q13.
Variant type: single nucleotide variant.
Coding change: c.1795G>A on transcript NM_019842.4 (MANE Select); coding-DNA position 1795, G replaced by A.
Protein change: p.Asp599Asn; replaces aspartic acid 599 with asparagine.
Molecular consequence: missense variant.
Genome position (GRCh38, 1-based): chr6:73,192,650, G>A. VCF-style: chr6-73192650-G-A. GRCh37 (hg19) VCF-style: chr6-73902373-G-A.
Other names: c.1768G>A, p.Asp590Asn (NM_001160130.2); c.1825G>A, p.Asp609Asn (NM_001160132.2); c.1852G>A, p.Asp618Asn (NM_001160133.2); c.1465G>A, p.Asp489Asn (NM_001160134.2); c.1852G>A (NM_001160133.1); short protein forms D590N, D599N, D618N, D489N, D609N.
Identifiers: ClinVar variation 2795748 (VCV002795748.4), dbSNP rs1466961910, ClinGen allele CA364693665.
Genomic context (GRCh38, chr6:73,192,650, plus strand): 5'-CAAATCACATCAGATAAGAAGAGCCGAGAGAAAATAACAGCAGAACATGAGACCACAGAC[G>A]ATCTCAGTATGCTCGGTCGGGTGGTCAAGGTTGAAAAACAGGTACAACTCAACTACGCTG-3'
Protein context (NP_062816.2, residues 589-609): KITAEHETTD[Asp599Asn]LSMLGRVVKV

ClinVar aggregate classification (germline): Uncertain significance. Review status: criteria provided, multiple submitters, no conflicts (2 of 4 stars). 2 submissions from 2 submitters: Uncertain significance (2). Last evaluated 2024-09-03.

Allele frequency attached by ClinVar (database versions not stated): TOPMed below 0.00001; gnomAD 0.00001; gnomAD exomes 0.00001.
gnomAD v4.1: 6 of 1,611,124 alleles (0.00037%); highest among the groups gnomAD compares: East Asian, 0.0022%; no homozygotes.

Submissions (2):

GeneDx
Classification: Uncertain significance. Last evaluated: 2024-09-03. Review status: criteria provided, single submitter. Criteria: GeneDx Variant Classification Process June 2021. Collection method: clinical testing. Allele origin: germline. Affected: yes.
Comment: In silico analysis supports that this missense variant has a deleterious effect on protein structure/function; Has not been previously published as pathogenic or benign to our knowledge

Labcorp Genetics (formerly Invitae), Labcorp
Classification: Uncertain significance. Last evaluated: 2024-02-01. Review status: criteria provided, single submitter. Criteria: Invitae Variant Classification Sherloc (09022015). Collection method: clinical testing. Allele origin: germline.
Comment: This sequence change replaces aspartic acid, which is acidic and polar, with asparagine, which is neutral and polar, at codon 618 of the KCNQ5 protein (p.Asp618Asn). This variant is present in population databases (no rsID available, gnomAD 0.0009%). This variant has not been reported in the literature in individuals affected with KCNQ5-related conditions. Advanced modeling of protein sequence and biophysical properties (such as structural, functional, and spatial information, amino acid conservation, physicochemical variation, residue mobility, and thermodynamic stability) performed at Invitae indicates that this missense variant is not expected to disrupt KCNQ5 protein function with a negative predictive value of 80%. In summary, the available evidence is currently insufficient to determine the role of this variant in disease. Therefore, it has been classified as a Variant of Uncertain Significance.